The following is an entry in ClinVar:

ClinVar aggregate classification (germline): Likely benign. Review status: criteria provided, multiple submitters, no conflicts (2 of 4 stars). 4 submissions from 4 submitters: Likely benign (4). Last evaluated 2026-01-26.

Conditions:
PNPLA8-related disorder. Also called: PNPLA8-related condition.
Inborn genetic diseases. Identifiers: MedGen C0950123, MeSH D030342.

Allele frequency attached by ClinVar (database versions not stated): gnomAD exomes 0.00011 and 0.00032; ExAC 0.00044; gnomAD 0.00125 and 0.00133; ESP Exome Variant Server 0.00138; TOPMed 0.00138; 1000 Genomes Project 0.00140; 1000 Genomes Project 30x 0.00172.
gnomAD v4.1: 366 of 1,594,692 alleles (0.023%); highest among the groups gnomAD compares: African/African-American, 0.44%; 1 homozygote.

Submissions (4):

Labcorp Genetics (formerly Invitae), Labcorp
Classification: Likely benign. Last evaluated: 2026-01-26. Review status: criteria provided, single submitter. Criteria: Invitae Variant Classification Sherloc (09022015). Collection method: clinical testing. Allele origin: germline.

PreventionGenetics, part of Exact Sciences
Classification: Likely benign for PNPLA8-related condition. Last evaluated: 2025-10-10. Review status: criteria provided, single submitter. Criteria: ACMG Guidelines, 2015. Collection method: clinical testing. Allele origin: germline.
Comment: This variant is classified as likely benign based on ACMG/AMP sequence variant interpretation guidelines (Richards et al. 2015 PMID: 25741868, with internal and published modifications).

Mayo Clinic Laboratories, Mayo Clinic
Classification: Likely benign. Last evaluated: 2025-06-27. Review status: criteria provided, single submitter. Criteria: ACMG Guidelines, 2015. Collection method: clinical testing. Allele origin: germline. Observed: 2 variant alleles.
Comment: BS1, BP4

Ambry Genetics
Classification: Likely benign for Inborn genetic diseases. Last evaluated: 2024-01-30. Review status: criteria provided, single submitter. Criteria: Ambry Variant Classification Scheme 2023. Collection method: clinical testing. Allele origin: germline.

NM_001256007.3(PNPLA8):c.1615A>G (p.Asn539Asp)

Gene: PNPLA8 (patatin like domain 8, phospholipase A2; minus strand). Cytogenetic location: 7q31.1.
Variant type: single nucleotide variant.
Coding change: c.1615A>G on transcript NM_001256007.3 (MANE Select); coding-DNA position 1615, A replaced by G.
Protein change: p.Asn539Asp; replaces asparagine 539 with aspartic acid.
Molecular consequence: missense variant.
Genome position (GRCh38, 1-based): chr7:108,496,594, T>C on the plus strand (A>G on the coding strand, the complement: PNPLA8 is on the minus strand). VCF-style: chr7-108496594-T-C. GRCh37 (hg19) VCF-style: chr7-108137038-T-C.
Other names: p.Asn539Asp; c.1615A>G (NM_015723.2, NM_015723.4); c.1615A>G, p.Asn539Asp (NM_001256008.3, NM_001256009.3, NM_015723.5); c.1315A>G, p.Asn439Asp (NM_001256010.3, NM_001256011.3); short protein forms N439D, N539D.
Identifiers: ClinVar variation 1582257 (VCV001582257.12), dbSNP rs35773218, ClinGen allele CA4439533.